The following is an entry in ClinVar:

NM_000321.3(RB1):c.1297G>A (p.Ala433Thr)

Gene: RB1 (RB transcriptional corepressor 1; plus strand). Cytogenetic location: 13q14.2.
Variant type: single nucleotide variant.
Coding change: c.1297G>A on transcript NM_000321.3 (MANE Select); coding-DNA position 1297, G replaced by A.
Protein change: p.Ala433Thr; replaces alanine 433 with threonine.
Molecular consequence: missense variant.
Genome position (GRCh38, 1-based): chr13:48,376,999, G>A. VCF-style: chr13-48376999-G-A. GRCh37 (hg19) VCF-style: chr13-48951135-G-A.
Other names: short protein forms A433T.
Identifiers: ClinVar variation 578954 (VCV000578954.11), dbSNP rs1166566395, ClinGen allele CA388162119.

ClinVar aggregate classification (germline): Uncertain significance. Review status: criteria provided, multiple submitters, no conflicts (2 of 4 stars). 2 submissions from 2 submitters: Uncertain significance (2). Last evaluated 2022-06-24.

Conditions:
Retinoblastoma (RB1). Also called: RETINOBLASTOMA, SOMATIC. Identifiers: Orphanet 790, MedGen C0035335, MeSH D012175, MONDO:0008380, OMIM 180200, HP:0009919. Disease mechanism: loss of function. Inheritance: Both sporadic and heritable forms are tested..
Hereditary cancer-predisposing syndrome. Also called: Neoplastic Syndromes, Hereditary; Tumor predisposition; Hereditary neoplastic syndrome; Hereditary Cancer Syndrome. Identifiers: Orphanet 140162, MedGen C0027672, MeSH D009386, MONDO:0015356.

Allele frequency attached by ClinVar (database versions not stated): TOPMed below 0.00001.

Submissions (2):

Ambry Genetics
Classification: Uncertain significance for Hereditary cancer-predisposing syndrome. Last evaluated: 2022-06-24. Review status: criteria provided, single submitter. Criteria: Ambry Variant Classification Scheme 2023. Collection method: clinical testing. Allele origin: germline.
Comment: The p.A433T variant (also known as c.1297G>A), located in coding exon 13 of the RB1 gene, results from a G to A substitution at nucleotide position 1297. The alanine at codon 433 is replaced by threonine, an amino acid with similar properties. This amino acid position is conserved. In addition, the in silico prediction for this alteration is inconclusive. Since supporting evidence is limited at this time, the clinical significance of this alteration remains unclear.

Labcorp Genetics (formerly Invitae), Labcorp
Classification: Uncertain significance for Retinoblastoma. Last evaluated: 2018-05-03. Review status: criteria provided, single submitter. Criteria: Invitae Variant Classification Sherloc (09022015). Collection method: clinical testing. Allele origin: germline.
Comment: This variant is not present in population databases (ExAC no frequency). This variant has not been reported in the literature in individuals with RB1-related disease. Algorithms developed to predict the effect of missense changes on protein structure and function do not agree on the potential impact of this missense change (SIFT: "Deleterious"; PolyPhen-2: "Benign"; Align-GVGD: "Class C55"). In summary, the available evidence is currently insufficient to determine the role of this variant in disease. Therefore, it has been classified as a Variant of Uncertain Significance. This sequence change replaces alanine with threonine at codon 433 of the RB1 protein (p.Ala433Thr). The alanine residue is highly conserved and there is a small physicochemical difference between alanine and threonine.